The following is an entry in ClinVar:

ClinVar aggregate classification (germline): Uncertain significance. Review status: criteria provided, multiple submitters, no conflicts (2 of 4 stars). 2 submissions from 2 submitters: Uncertain significance (2). Last evaluated 2025-07-03.

Conditions:
Cardiovascular phenotype. Identifiers: MedGen CN230736.
Long QT syndrome (LQTS). Identifiers: MedGen C0023976, MeSH D008133, MONDO:0002442. Disease mechanism: loss of function. Inheritance: Various modes of inheritance.

Allele frequency attached by ClinVar (database versions not stated): TOPMed below 0.00001; gnomAD 0.00001; gnomAD exomes 0.00001.
gnomAD v4.1: 7 of 1,612,748 alleles (0.00043%); highest among the groups gnomAD compares: Non-Finnish European, 0.00059%; no homozygotes.

Submissions (2):

Labcorp Genetics (formerly Invitae), Labcorp
Classification: Uncertain significance for Long QT syndrome. Last evaluated: 2025-07-03. Review status: criteria provided, single submitter. Criteria: Invitae Variant Classification Sherloc (09022015). Collection method: clinical testing. Allele origin: germline.
Comment: This sequence change replaces asparagine, which is neutral and polar, with serine, which is neutral and polar, at codon 1728 of the AKAP9 protein (p.Asn1728Ser). This variant is not present in population databases (gnomAD no frequency). This variant has not been reported in the literature in individuals affected with AKAP9-related conditions. ClinVar contains an entry for this variant (Variation ID: 519444). An algorithm developed to predict the effect of missense changes on protein structure and function (PolyPhen-2) suggests that this variant is likely to be disruptive. In summary, the available evidence is currently insufficient to determine the role of this variant in disease. Therefore, it has been classified as a Variant of Uncertain Significance.

Ambry Genetics
Classification: Uncertain significance for Cardiovascular phenotype. Last evaluated: 2025-02-11. Review status: criteria provided, single submitter. Criteria: Ambry Variant Classification Scheme 2023. Collection method: clinical testing. Allele origin: germline.

NM_005751.5(AKAP9):c.5183A>G (p.Asn1728Ser)

Gene: AKAP9 (A-kinase anchoring protein 9; plus strand). Cytogenetic location: 7q21.2.
Variant type: single nucleotide variant.
Coding change: c.5183A>G on transcript NM_005751.5 (MANE Select); coding-DNA position 5183, A replaced by G.
Protein change: p.Asn1728Ser; replaces asparagine 1728 with serine.
Molecular consequence: missense variant.
Genome position (GRCh38, 1-based): chr7:92,045,028, A>G. VCF-style: chr7-92045028-A-G. GRCh37 (hg19) VCF-style: chr7-91674342-A-G.
Other names: c.5183A>G, p.Asn1728Ser (NM_147185.3); short protein forms N1728S.
Identifiers: ClinVar variation 519444 (VCV000519444.9), dbSNP rs1400302163, ClinGen allele CA368130505.
Genomic context (GRCh38, chr7:92,045,028, plus strand): 5'-AATATTAAACATTTTAATCAGTGCTTCTTTATCTATACAGGTATGCACTCCAGAAAGCTA[A>G]TAATAGACTTTTGAAGATCCTCTTAGAAGTTGTAAAGACAACAGCAGCTGTTGAAGAAAC-3'
Protein context (NP_005742.4, residues 1718-1738): SNERYALQKA[Asn1728Ser]NRLLKILLEV